The following is an entry in ClinVar:

NM_003500.4(ACOX2):c.1156-3C>G

Gene: ACOX2 (acyl-CoA oxidase 2; minus strand). Cytogenetic location: 3p14.3.
Variant type: single nucleotide variant.
Coding change: c.1156-3C>G on transcript NM_003500.4 (MANE Select); 3 bases into the intron before coding-DNA position 1156, C replaced by G.
Molecular consequence: intron variant.
Genome position (GRCh38, 1-based): chr3:58,526,659, G>C on the plus strand (C>G on the coding strand, the complement: ACOX2 is on the minus strand). VCF-style: chr3-58526659-G-C. GRCh37 (hg19) VCF-style: chr3-58512386-G-C.
Identifiers: ClinVar variation 1416538 (VCV001416538.6), dbSNP rs374565538, ClinGen allele CA2472143.

ClinVar aggregate classification (germline): Uncertain significance (1 of 4 stars; one submission).

Allele frequency attached by ClinVar (database versions not stated): gnomAD 0.00001; ESP Exome Variant Server 0.00008.
gnomAD v4.1: 53 of 1,612,904 alleles (0.0033%); highest among the groups gnomAD compares: Non-Finnish European, 0.0043%; no homozygotes.

Submission:

Labcorp Genetics (formerly Invitae), Labcorp
Classification: Uncertain significance. Last evaluated: 2021-11-11. Review status: criteria provided, single submitter. Criteria: Invitae Variant Classification Sherloc (09022015). Collection method: clinical testing. Allele origin: germline.
Comment: This sequence change falls in intron 9 of the ACOX2 gene. It does not directly change the encoded amino acid sequence of the ACOX2 protein. It affects a nucleotide within the consensus splice site. This variant is present in population databases (rs374565538, gnomAD 0.003%). This variant has not been reported in the literature in individuals affected with ACOX2-related conditions. Variants that disrupt the consensus splice site are a relatively common cause of aberrant splicing (PMID: 17576681, 9536098). Algorithms developed to predict the effect of sequence changes on RNA splicing suggest that this variant may disrupt the consensus splice site. In summary, the available evidence is currently insufficient to determine the role of this variant in disease. Therefore, it has been classified as a Variant of Uncertain Significance.

Literature cited by the submitters: PubMed 17576681; PubMed 9536098.